The following is an entry in ClinVar:

NM_001478.5(B4GALNT1):c.1435dup (p.Val479fs)

Gene: B4GALNT1 (beta-1,4-N-acetyl-galactosaminyltransferase 1; minus strand). Cytogenetic location: 12q13.3.
Variant type: Duplication.
Coding change: c.1435dup on transcript NM_001478.5 (MANE Select); coding-DNA position 1435, one base duplicated (G; older notation c.1435dupG).
Protein change: p.Val479fs; shifts the reading frame from valine 479.
Molecular consequence: frameshift variant.
Genome position (GRCh38, 1-based): chr12:57,626,911, C duplicated on the plus strand (G on the coding strand, the reverse complement: B4GALNT1 is on the minus strand). VCF-style (leftmost placement, unchanged base first): chr12-57626910-A-AC. GRCh37 (hg19) VCF-style: chr12-58020693-A-AC.
Other names: c.1270dup, p.Val424fs (NM_001276468.2, NM_001413978.1); c.1603dup, p.Val535fs (NM_001413967.1); c.1570dup, p.Val524fs (NM_001413968.1, NM_001413969.1); c.1468dup, p.Val490fs (NM_001413970.1, NM_001413971.1, NM_001413972.1); c.1435dup, p.Val479fs (NM_001413973.1, NM_001413974.1); c.1336dup, p.Val446fs (NM_001413977.1); c.583dup, p.Val195fs (NM_001413981.1); c.481dup, p.Val161fs (NM_001413982.1); and 1 more; short protein forms V150fs, V161fs, V195fs, V424fs, V446fs, V479fs, V490fs, V524fs.
Identifiers: ClinVar variation 4798696 (VCV004798696.1).
Genomic context (GRCh38, chr12:57,626,910, plus strand): 5'-TCTGCTCCGGCATCCCTTGATGTCCAAGGCAGCTTCAGTTTGGATGCATGATCCACCACG[A>AC]CGTCGGAGCAGGAGCCAACCCGAAGGGAACCAAGCCCATCCAAGAAGAATTCTGGGGGTG-3'

ClinVar aggregate classification (germline): Pathogenic (1 of 4 stars; one submission).

Conditions:
Spastic paraplegia. Identifiers: MedGen C0037772, HP:0001258.

Submission:

Labcorp Genetics (formerly Invitae), Labcorp
Classification: Pathogenic for Spastic paraplegia. Last evaluated: 2025-09-15. Review status: criteria provided, single submitter. Criteria: Invitae Variant Classification Sherloc (09022015). Collection method: clinical testing. Allele origin: germline.
Comment: This sequence change is expected to alter the c-terminus of the B4GALNT1 protein (p.Val479Glyfs*85). While this is not anticipated to result in nonsense mediated decay, it is expected to disrupt the last 55 amino acid(s) of the B4GALNT1 protein and extend the protein by 29 additional amino acid residues. This variant is not present in population databases (gnomAD no frequency). This variant has not been reported in the literature in individuals affected with B4GALNT1-related conditions. This variant disrupts a region of the B4GALNT1 protein in which other variant(s) (p.Arg505His) have been determined to be pathogenic (PMID: 24103911, 30521973). This suggests that this is a clinically significant region of the protein, and that variants that disrupt it are likely to be disease-causing. For these reasons, this variant has been classified as Pathogenic.

Literature cited by the submitters: PubMed 24103911; PubMed 30521973.